The following is an entry in ClinVar:

NM_145207.3(AFG2A):c.988A>G (p.Thr330Ala)

Gene: AFG2A (AAA ATPase AFG2A; plus strand). Cytogenetic location: 4q28.1.
Variant type: single nucleotide variant.
Coding change: c.988A>G on transcript NM_145207.3 (MANE Select); coding-DNA position 988, A replaced by G.
Protein change: p.Thr330Ala; replaces threonine 330 with alanine.
Molecular consequence: missense variant.
Genome position (GRCh38, 1-based): chr4:122,934,579, A>G. VCF-style: chr4-122934579-A-G. GRCh37 (hg19) VCF-style: chr4-123855734-A-G.
Other names: c.985A>G, p.Thr329Ala (NM_001317799.2, NM_001345856.2); short protein forms T329A, T330A.
Identifiers: ClinVar variation 3763932 (VCV003763932.2).

ClinVar aggregate classification (germline): Uncertain significance (1 of 4 stars; one submission).

Conditions:
Microcephaly-intellectual disability-sensorineural hearing loss-epilepsy-abnormal muscle tone syndrome (NEDHSB). Also called: NEURODEVELOPMENTAL DISORDER WITH HEARING LOSS, SEIZURES, AND BRAIN ABNORMALITIES. Identifiers: Orphanet 457351, MedGen C4225276, MONDO:0014698, OMIM 616577.

gnomAD v4.1: 3 of 1,613,964 alleles (0.00019%); highest among the groups gnomAD compares: Non-Finnish European, 0.00025%; no homozygotes.

Submission:

Labcorp Genetics (formerly Invitae), Labcorp
Classification: Uncertain significance for Microcephaly-intellectual disability-sensorineural hearing loss-epilepsy-abnormal muscle tone syndrome. Last evaluated: 2022-11-14. Review status: criteria provided, single submitter. Criteria: Invitae Variant Classification Sherloc (09022015). Collection method: clinical testing. Allele origin: germline.
Comment: This variant has not been reported in the literature in individuals affected with SPATA5-related conditions. Algorithms developed to predict the effect of missense changes on protein structure and function (SIFT, PolyPhen-2, Align-GVGD) all suggest that this variant is likely to be disruptive. Algorithms developed to predict the effect of sequence changes on RNA splicing suggest that this variant may create or strengthen a splice site. In summary, the available evidence is currently insufficient to determine the role of this variant in disease. Therefore, it has been classified as a Variant of Uncertain Significance. This variant is present in population databases (no rsID available, gnomAD 0.0009%). This sequence change replaces threonine, which is neutral and polar, with alanine, which is neutral and non-polar, at codon 330 of the SPATA5 protein (p.Thr330Ala).